The following is an entry in ClinVar:

ClinVar aggregate classification (germline): Pathogenic (1 of 4 stars; one submission).

Conditions:
Hearing loss, autosomal recessive 110. Also called: DEAFNESS, AUTOSOMAL RECESSIVE 110. Identifiers: MedGen C4748162, MONDO:0054860, OMIM 618094.

Submission:

Victorian Clinical Genetics Services, Murdoch Childrens Research Institute
Classification: Pathogenic for Hearing loss, autosomal recessive 110. Last evaluated: 2023-07-17. Review status: criteria provided, single submitter. Criteria: ACMG Guidelines, 2015. Collection method: clinical testing. Allele origin: germline. Inheritance: Autosomal recessive inheritance. Affected: yes.
Comment: Based on the classification scheme VCGS_Germline_v1.3.4, this variant is classified as Pathogenic. Following criteria are met: 0103 - Loss of function is a known mechanism of disease in this gene and is associated with autosomal recessive deafness 110 (MIM#618094; PMID: 32562050). Dominant negative is also a likely mechanism of disease in this gene and is associated with autosomal dominant deafness 9 (MIM#601369; PMID: 25230692). (I) 0108 - This gene is associated with both recessive and dominant disease (PMID: 25230692, PMID: 32562050). (I) 0201 - Variant is predicted to cause nonsense-mediated decay (NMD) and loss of protein (premature termination codon is located at least 54 nucleotides upstream of the final exon-exon junction). (SP) 0251 - This variant is heterozygous. (I) 0301 - Variant is absent from gnomAD (both v2 and v3). (SP) 0701 - Other NMD predicted variants comparable to the one identified in this case have very strong previous evidence for pathogenicity (ClinVar, PMID: 32562050). (SP) 0807 - This variant has no previous evidence of pathogenicity. (I) 0905 - No published segregation evidence has been identified for this variant. (I) 1007 - No published functional evidence has been identified for this variant. (I) 1208 - Inheritance information for this variant is not currently available in this individual. (I) Legend: (SP) - Supporting pathogenic, (I) - Information, (SB) - Supporting benign

Literature cited by the submitters: PubMed 25230692; PubMed 32562050.

NM_004086.3(COCH):c.1273del (p.Ser425fs)

Genes: COCH (cochlin; plus strand), LOC100506071 (uncharacterized LOC100506071; minus strand). Cytogenetic location: 14q12.
Variant type: Deletion.
Coding change: c.1273del on transcript NM_004086.3 (MANE Select); coding-DNA position 1273, one base deleted (A; older notation c.1273delA).
Protein change: p.Ser425fs; shifts the reading frame from serine 425.
Molecular consequence: frameshift variant. On other transcripts: non-coding transcript variant (1).
Genome position (GRCh38, 1-based): chr14:30,886,108, A deleted. VCF-style (leftmost placement, unchanged base first): chr14-30886107-TA-T. GRCh37 (hg19) VCF-style: chr14-31355313-TA-T.
Other names: c.1273del, p.Ser425fs (NM_001135058.2); c.1468del, p.Ser490fs (NM_001347720.2); short protein forms S425fs, S490fs.
Identifiers: ClinVar variation 3376726 (VCV003376726.1).